The following is an entry in ClinVar:

ClinVar aggregate classification (germline): Conflicting classifications of pathogenicity. Review status: criteria provided, conflicting classifications (1 of 4 stars). 5 submissions from 5 submitters: Uncertain significance (4); Likely benign (1). Last evaluated 2026-07-20.

Conditions:
Hypertrophic cardiomyopathy. Also called: HYPERTROPHIC MYOCARDIOPATHY. Identifiers: Orphanet 217569, MedGen C0007194, MeSH D002312, MONDO:0005045, HP:0001639.
TTN-related disorder. Also called: TTN-related condition; TTN-related disease; TTN-related disorders.
Cardiovascular phenotype. Identifiers: MedGen CN230736.

Allele frequency attached by ClinVar (database versions not stated): ExAC 0.00001; gnomAD exomes 0.00001; TOPMed 0.00001; ESP Exome Variant Server 0.00008.
gnomAD v4.1: 17 of 1,613,662 alleles (0.0011%); highest among the groups gnomAD compares: East Asian, 0.0022%; no homozygotes.

Submissions (5):

PreventionGenetics, part of Exact Sciences
Classification: Uncertain significance for TTN-related condition. Last evaluated: 2026-07-20. Review status: criteria provided, single submitter. Criteria: ACMG Guidelines, 2015. Collection method: clinical testing. Allele origin: germline.
Comment: The TTN c.81809T>C variant is predicted to result in the amino acid substitution p.Ile27270Thr. This variant has been reported in a family with hypertrophic cardiomyopathy; however, a pathogenic nonsense variant in MYBPC3 was also identified in multiple affected family members (Supplementary Figure 1 and Supplementary Table 2a, Al-Shafai et al. 2021. PubMed ID: 34137518). This variant is reported in 0.0065% of alleles in individuals of African descent in gnomAD. At this time, the clinical significance of this variant is uncertain due to the absence of conclusive functional and genetic evidence.

Women's Health and Genetics/Laboratory Corporation of America, LabCorp
Classification: Uncertain significance. Last evaluated: 2024-12-20. Review status: criteria provided, single submitter. Criteria: LabCorp Variant Classification Summary - May 2015. Collection method: clinical testing. Allele origin: germline.
Comment: Variant summary: TTN c.74105T>C (p.Ile24702Thr) results in a non-conservative amino acid change in the encoded protein sequence. Three of four in-silico tools predict a damaging effect of the variant on protein function. The variant allele was found at a frequency of 8e-06 in 248448 control chromosomes. The available data on variant occurrences in the general population are insufficient to allow any conclusion about variant significance. c.74105T>C has been reported in the heterozygous state in the literature in at least 1 individual affected with Hypertrophic Cardiomyopathy, however to our knowledge there is no strong gene-disease association between TTN and HCM (example, Al-Shafai_2021), there was an alternate explanation for disease in the proband (MYBPC3 pathogenic variant) and the variant had evidence of non-segregation with disease in the family (affected non-carrier). To our knowledge, no experimental evidence demonstrating an impact on protein function has been reported. The following publication has been ascertained in the context of this evaluation (PMID: 34137518). ClinVar contains an entry for this variant (Variation ID: 519031). Based on the evidence outlined above, the variant was classified as VUS-possibly benign.

Revvity Omics, Revvity
Classification: Uncertain significance. Last evaluated: 2022-01-03. Review status: criteria provided, single submitter. Criteria: ACMG Guidelines, 2015. Collection method: clinical testing. Allele origin: germline.

Ambry Genetics
Classification: Uncertain significance for Cardiovascular phenotype. Last evaluated: 2017-09-14. Review status: criteria provided, single submitter. Criteria: Ambry Variant Classification Scheme 2023. Collection method: clinical testing. Allele origin: germline.
Comment: The p.I18205T variant (also known as c.54614T>C), located in coding exon 153 of the TTN gene, results from a T to C substitution at nucleotide position 54614. The isoleucine at codon 18205 is replaced by threonine, an amino acid with similar properties. This amino acid position is highly conserved in available vertebrate species. In addition, this alteration is predicted to be tolerated by in silico analysis. Since supporting evidence is limited at this time, the clinical significance of this alteration remains unclear.

Genetics and Genomics Program, Sidra Medicine
Classification: Likely benign for Hypertrophic cardiomyopathy. Review status: criteria provided, single submitter. Criteria: ACMG Guidelines, 2015. Collection method: research. Allele origin: unknown. Affected: yes. Observed: 1 variant allele.

Literature cited by the submitters: PubMed 34137518 (cited by Women's Health and Genetics/Laboratory Corporation of America, LabCorp).

NM_001267550.2(TTN):c.81809T>C (p.Ile27270Thr)

Genes: TTN (titin; minus strand), TTN-AS1 (TTN antisense RNA 1; plus strand). Cytogenetic location: 2q31.2.
Variant type: single nucleotide variant.
Coding change: c.81809T>C on transcript NM_001267550.2 (MANE Select); coding-DNA position 81809, T replaced by C.
Protein change: p.Ile27270Thr; replaces isoleucine 27270 with threonine.
Molecular consequence: missense variant.
Genome position (GRCh38, 1-based): chr2:178,564,323, A>G on the plus strand (T>C on the coding strand, the complement: TTN is on the minus strand). VCF-style: chr2-178564323-A-G. GRCh37 (hg19) VCF-style: chr2-179429050-A-G.
Other names: c.76886T>C, p.Ile25629Thr (NM_001256850.1); c.54614T>C, p.Ile18205Thr (NM_003319.4); c.74105T>C, p.Ile24702Thr (NM_133378.4); c.54989T>C, p.Ile18330Thr (NM_133432.3); c.55190T>C, p.Ile18397Thr (NM_133437.4); short protein forms I18205T, I27270T, I25629T, I18330T, I18397T, I24702T.
Identifiers: ClinVar variation 519031 (VCV000519031.12), dbSNP rs368527797, ClinGen allele CA1989152.
Genomic context (GRCh38, chr2:178,564,323, plus strand): 5'-CCTGCATGAACAACGATGACATCTTTATATTTTGGATCCAGAGAGGCATTTGGTGCATCA[A>G]TTTCATCTCTTGCAGTAATGGCACCACTACTATCAGATGGTTCACTAAAGTTTCCAGCTG-3'
Protein context (NP_001254479.2, residues 27260-27280): SSGAITARDE[Ile27270Thr]DAPNASLDPK